The following is an entry in ClinVar:

ClinVar aggregate classification (germline): Benign/Likely benign. Review status: criteria provided, multiple submitters, no conflicts (2 of 4 stars). 3 submissions from 3 submitters: Benign (1); Likely benign (2). Last evaluated 2025-02-23.

Submissions (3):

Labcorp Genetics (formerly Invitae), Labcorp
Classification: Benign. Last evaluated: 2025-02-23. Review status: criteria provided, single submitter. Criteria: Invitae Variant Classification Sherloc (09022015). Collection method: clinical testing. Allele origin: germline.

Blueprint Genetics
Classification: Likely benign. Last evaluated: 2024-10-21. Review status: criteria provided, single submitter. Criteria: ACMG Guidelines, 2015. Collection method: clinical testing. Allele origin: germline.

Laboratory for Molecular Medicine, Mass General Brigham Personalized Medicine
Classification: Likely benign. Last evaluated: 2015-05-12. Review status: criteria provided, single submitter. Criteria: LMM Criteria. Collection method: clinical testing. Allele origin: germline. Observed: 1 variant allele.
Comment: c.1042-11_1042-10insC in intron 7 of KCNQ4: This variant is not expected to have clinical significance because the insertion of a C at this position does not di verge from the splice consensus sequence and is therefore unlikely to impact spl icing. It has also been identified in 0.3% (43/16402) of South Asian chromosomes by the Exome Aggregation Consortium (ExAC; dbSN P rs549201247).

NM_004700.4(KCNQ4):c.1042-11dup

Gene: KCNQ4 (potassium voltage-gated channel subfamily Q member 4; plus strand). Cytogenetic location: 1p34.2.
Variant type: Duplication.
Coding change: c.1042-11dup on transcript NM_004700.4 (MANE Select); 11 bases into the intron before coding-DNA position 1042, one base duplicated (C; older notation c.1042-11dupC).
Genome position (GRCh38, 1-based): chr1:40,822,303, C duplicated; the last of 5 consecutive C bases (chr1:40,822,299-40,822,303); duplicating any one gives the same sequence. VCF-style (leftmost placement, unchanged base first): chr1-40822298-T-TC. GRCh37 (hg19) VCF-style: chr1-41287970-T-TC.
Other names: c.1042-11dup (NM_172163.3).
Identifiers: ClinVar variation 227464 (VCV000227464.8), dbSNP rs876657480, ClinGen allele CA794738.